The following is an entry in ClinVar:

NM_014712.3(SETD1A):c.4828C>T (p.Arg1610Trp)

Gene: SETD1A (SET domain containing 1A, histone lysine methyltransferase; plus strand). Cytogenetic location: 16p11.2.
Variant type: single nucleotide variant.
Coding change: c.4828C>T on transcript NM_014712.3 (MANE Select); coding-DNA position 4828, C replaced by T.
Protein change: p.Arg1610Trp; replaces arginine 1610 with tryptophan.
Molecular consequence: missense variant.
Genome position (GRCh38, 1-based): chr16:30,983,650, C>T. VCF-style: chr16-30983650-C-T. GRCh37 (hg19) VCF-style: chr16-30994971-C-T.
Other names: short protein forms R1610W.
Identifiers: ClinVar variation 2430586 (VCV002430586.2), dbSNP rs767484943, ClinGen allele CA280559103.

ClinVar aggregate classification (germline): Uncertain significance (1 of 4 stars; one submission).

Allele frequency attached by ClinVar (database versions not stated): gnomAD exomes below 0.00001.
gnomAD v4.1: 2 of 1,612,832 alleles (0.00012%); highest among the groups gnomAD compares: Non-Finnish European, 0.000085%; no homozygotes.

Submission:

GeneDx
Classification: Uncertain significance. Last evaluated: 2024-02-15. Review status: criteria provided, single submitter. Criteria: GeneDx Variant Classification Process June 2021. Collection method: clinical testing. Allele origin: germline.
Comment: Not observed at significant frequency in large population cohorts (gnomAD); In silico analysis supports that this missense variant has a deleterious effect on protein structure/function; Has not been previously published as pathogenic or benign to our knowledge